The following is an entry in ClinVar:

NM_007327.4(GRIN1):c.989A>G (p.Tyr330Cys)

Gene: GRIN1 (glutamate ionotropic receptor NMDA type subunit 1; plus strand). Cytogenetic location: 9q34.3.
Variant type: single nucleotide variant.
Coding change: c.989A>G on transcript NM_007327.4 (MANE Select); coding-DNA position 989, A replaced by G.
Protein change: p.Tyr330Cys; replaces tyrosine 330 with cysteine.
Molecular consequence: missense variant.
Genome position (GRCh38, 1-based): chr9:137,158,399, A>G. VCF-style: chr9-137158399-A-G. GRCh37 (hg19) VCF-style: chr9-140052851-A-G.
Other names: c.989A>G, p.Tyr330Cys (NM_000832.7, NM_021569.4); c.1052A>G, p.Tyr351Cys (NM_001185090.2, NM_001185091.2); short protein forms Y330C, Y351C.
Identifiers: ClinVar variation 950808 (VCV000950808.10), dbSNP rs1833353573, ClinGen allele CA375715333.

ClinVar aggregate classification (germline): Uncertain significance (1 of 4 stars; one submission).

Conditions:
Neurodevelopmental disorder with or without hyperkinetic movements and seizures, autosomal dominant. Also called: Intellectual disability, autosomal dominant 8. Identifiers: MedGen C3280282, MONDO:0013655, OMIM 614254.

Allele frequency attached by ClinVar (database versions not stated): TOPMed below 0.00001.

Submission:

Labcorp Genetics (formerly Invitae), Labcorp
Classification: Uncertain significance for Neurodevelopmental disorder with or without hyperkinetic movements and seizures, autosomal dominant. Last evaluated: 2023-11-08. Review status: criteria provided, single submitter. Criteria: Invitae Variant Classification Sherloc (09022015). Collection method: clinical testing. Allele origin: germline.
Comment: This sequence change replaces tyrosine, which is neutral and polar, with cysteine, which is neutral and slightly polar, at codon 330 of the GRIN1 protein (p.Tyr330Cys). This variant is not present in population databases (gnomAD no frequency). This variant has not been reported in the literature in individuals affected with GRIN1-related conditions. ClinVar contains an entry for this variant (Variation ID: 950808). Advanced modeling of protein sequence and biophysical properties (such as structural, functional, and spatial information, amino acid conservation, physicochemical variation, residue mobility, and thermodynamic stability) has been performed at Invitae for this missense variant, however the output from this modeling did not meet the statistical confidence thresholds required to predict the impact of this variant on GRIN1 protein function. In summary, the available evidence is currently insufficient to determine the role of this variant in disease. Therefore, it has been classified as a Variant of Uncertain Significance.